The following is an entry in ClinVar:

NM_007325.5(GRIA3):c.20T>C (p.Met7Thr)

Gene: GRIA3 (glutamate ionotropic receptor AMPA type subunit 3; plus strand). Cytogenetic location: Xq25.
Variant type: single nucleotide variant.
Coding change: c.20T>C on transcript NM_007325.5 (MANE Select); coding-DNA position 20, T replaced by C.
Protein change: p.Met7Thr; replaces methionine 7 with threonine.
Molecular consequence: missense variant.
Genome position (GRCh38, 1-based): chrX:123,184,555, T>C. VCF-style: chrX-123184555-T-C. GRCh37 (hg19) VCF-style: chrX-122318407-T-C.
Other names: c.20T>C, p.Met7Thr (NM_000828.5, NM_001256743.2); short protein forms M7T.
Identifiers: ClinVar variation 1785891 (VCV001785891.2), dbSNP rs2520418046, ClinGen allele CA414254725.

ClinVar aggregate classification (germline): Uncertain significance (1 of 4 stars; one submission).

Conditions:
Inborn genetic diseases. Identifiers: MedGen C0950123, MeSH D030342.

gnomAD v4.1: 4 of 1,208,849 alleles (0.00033%); highest among the groups gnomAD compares: Non-Finnish European, 0.00045%; no homozygotes.

Submission:

Ambry Genetics
Classification: Uncertain significance for Inborn genetic diseases. Last evaluated: 2019-05-31. Review status: criteria provided, single submitter. Criteria: Ambry Variant Classification Scheme 2023. Collection method: clinical testing. Allele origin: germline.
Comment: The p.M7T variant (also known as c.20T>C), located in coding exon 1 of the GRIA3 gene, results from a T to C substitution at nucleotide position 20. The methionine at codon 7 is replaced by threonine, an amino acid with similar properties. This amino acid position is highly conserved in available vertebrate species. In addition, this alteration is predicted to be deleterious by in silico analysis. Since supporting evidence is limited at this time, the clinical significance of this alteration remains unclear.